The following is an entry in ClinVar:

ClinVar aggregate classification (germline): Pathogenic (1 of 4 stars; one submission).

Conditions:
Primary ciliary dyskinesia 3. Identifiers: Orphanet 244, MedGen C1837618, MONDO:0012085, OMIM 608644.

Submission:

Myriad Genetics, Inc.
Classification: Pathogenic for Primary ciliary dyskinesia 3. Last evaluated: 2023-09-27. Review status: criteria provided, single submitter. Criteria: Myriad Autosomal Dominant, Autosomal Recessive and X-Linked Classification Criteria (2023). Collection method: clinical testing. Allele origin: unknown.
Comment: NM_001369.2(DNAH5):c.7074dupT(L2359Sfs*7) is expected to be pathogenic in the context of primary ciliary dyskinesia, DNAH5-related. This variant is predicted to lead to an abnormal or absent protein product due to the creation of a premature termination codon in DNAH5, a gene where loss-of-function variants are known to be pathogenic. Please note: this variant was assessed in the context of healthy population screening.

NM_001369.3(DNAH5):c.7074dup (p.Leu2359fs)

Gene: DNAH5 (dynein axonemal heavy chain 5; minus strand). Cytogenetic location: 5p15.2.
Variant type: Duplication.
Coding change: c.7074dup on transcript NM_001369.3 (MANE Select); coding-DNA position 7074, one base duplicated (T; older notation c.7074dupT).
Protein change: p.Leu2359fs; shifts the reading frame from leucine 2359.
Molecular consequence: frameshift variant.
Genome position (GRCh38, 1-based): chr5:13,814,761, A duplicated on the plus strand (T on the coding strand, the reverse complement: DNAH5 is on the minus strand). VCF-style (leftmost placement, unchanged base first): chr5-13814760-G-GA. GRCh37 (hg19) VCF-style: chr5-13814869-G-GA.
Other names: short protein forms L2359fs.
Identifiers: ClinVar variation 5012079 (VCV005012079.1).
Genomic context (GRCh38, chr5:13,814,760, plus strand): 5'-GCTCGAAAATGATCTTGCAGTTTGGAGCCATGGGAATCCGATCACCATTGGCAAGGGTTA[G>GA]AGTTTTGTTATCATCCAAAACAGAATTCAGATTTTCAATCCAGATGGCATCTACTGGACC-3'